The following is an entry in ClinVar:

NM_020937.4(FANCM):c.815A>T (p.Glu272Val)

Gene: FANCM (FA complementation group M; plus strand). Cytogenetic location: 14q21.2.
Variant type: single nucleotide variant.
Coding change: c.815A>T on transcript NM_020937.4 (MANE Select); coding-DNA position 815, A replaced by T.
Protein change: p.Glu272Val; replaces glutamic acid 272 with valine.
Molecular consequence: missense variant.
Genome position (GRCh38, 1-based): chr14:45,148,892, A>T. VCF-style: chr14-45148892-A-T. GRCh37 (hg19) VCF-style: chr14-45618095-A-T.
Other names: c.815A>T (NM_020937.2); c.737A>T, p.Glu246Val (NM_001308133.2); c.815A>T, p.Glu272Val (NM_001308134.2); short protein forms E246V, E272V.
Identifiers: ClinVar variation 1474971 (VCV001474971.9), dbSNP rs1456725108, ClinGen allele CA389589882.

ClinVar aggregate classification (germline): Uncertain significance. Review status: criteria provided, multiple submitters, no conflicts (2 of 4 stars). 2 submissions from 2 submitters: Uncertain significance (2). Last evaluated 2025-07-22.

Conditions:
Fanconi anemia (FA). Also called: Fanconi's anemia. Identifiers: Orphanet 84, MedGen C0015625, MeSH D005199, MONDO:0019391.
Inborn genetic diseases. Identifiers: MedGen C0950123, MeSH D030342.

Allele frequency attached by ClinVar (database versions not stated): gnomAD exomes below 0.00001.
gnomAD v4.1: 1 of 1,610,862 alleles (0.000062%); highest among the groups gnomAD compares: Admixed American, 0.0017%; no homozygotes.

Submissions (2):

Ambry Genetics
Classification: Uncertain significance for Inborn genetic diseases. Last evaluated: 2025-07-22. Review status: criteria provided, single submitter. Criteria: Ambry Variant Classification Scheme 2023. Collection method: clinical testing. Allele origin: germline.
Comment: The p.E272V variant (also known as c.815A>T), located in coding exon 4 of the FANCM gene, results from an A to T substitution at nucleotide position 815. The glutamic acid at codon 272 is replaced by valine, an amino acid with dissimilar properties. This amino acid position is conserved. In addition, this alteration is predicted to be tolerated by in silico analysis. Based on the available evidence, the clinical significance of this variant remains unclear.

Labcorp Genetics (formerly Invitae), Labcorp
Classification: Uncertain significance for Fanconi anemia. Last evaluated: 2024-10-06. Review status: criteria provided, single submitter. Criteria: Invitae Variant Classification Sherloc (09022015). Collection method: clinical testing. Allele origin: germline.
Comment: This sequence change replaces glutamic acid, which is acidic and polar, with valine, which is neutral and non-polar, at codon 272 of the FANCM protein (p.Glu272Val). This variant is present in population databases (no rsID available, gnomAD 0.003%). This variant has not been reported in the literature in individuals affected with FANCM-related conditions. ClinVar contains an entry for this variant (Variation ID: 1474971). An algorithm developed to predict the effect of missense changes on protein structure and function (PolyPhen-2) suggests that this variant is likely to be tolerated. In summary, the available evidence is currently insufficient to determine the role of this variant in disease. Therefore, it has been classified as a Variant of Uncertain Significance.